The following is an entry in ClinVar:

NM_002691.4(POLD1):c.588G>A (p.Glu196=)

Gene: POLD1 (DNA polymerase delta 1, catalytic subunit; plus strand). Cytogenetic location: 19q13.33.
Variant type: single nucleotide variant.
Coding change: c.588G>A on transcript NM_002691.4 (MANE Select); coding-DNA position 588, G replaced by A.
Protein change: p.Glu196=; no amino-acid change (glutamic acid 196 retained).
Molecular consequence: synonymous variant. On other transcripts: non-coding transcript variant (1).
Genome position (GRCh38, 1-based): chr19:50,402,123, G>A. VCF-style: chr19-50402123-G-A. GRCh37 (hg19) VCF-style: chr19-50905380-G-A.
Other names: c.588G>A, p.Glu196= (NM_001256849.1, NM_001308632.1).
Identifiers: ClinVar variation 962153 (VCV000962153.12), dbSNP rs2038667190, ClinGen allele CA508304561.

ClinVar aggregate classification (germline): Conflicting classifications of pathogenicity. Review status: criteria provided, conflicting classifications (1 of 4 stars). 2 submissions from 2 submitters: Uncertain significance (1); Likely benign (1). Last evaluated 2024-04-20.

Conditions:
POLD1-related polyposis and colorectal cancer syndrome (CRCS10). Also called: Colorectal cancer 10; COLORECTAL CANCER, SUSCEPTIBILITY TO, ON CHROMOSOME 19q; Colorectal cancer, susceptibility to, 10. Identifiers: Orphanet 220460, MedGen C2675481, MONDO:0012953, OMIM 612591.
Hereditary cancer-predisposing syndrome. Also called: Tumor predisposition; Hereditary Cancer Syndrome; Hereditary neoplastic syndrome; Neoplastic Syndromes, Hereditary. Identifiers: Orphanet 140162, MedGen C0027672, MeSH D009386, MONDO:0015356.

Submissions (2):

Labcorp Genetics (formerly Invitae), Labcorp
Classification: Uncertain significance for POLD1-related polyposis and colorectal cancer syndrome. Last evaluated: 2024-04-20. Review status: criteria provided, single submitter. Criteria: Invitae Variant Classification Sherloc (09022015). Collection method: clinical testing. Allele origin: germline.
Comment: This sequence change affects codon 196 of the POLD1 mRNA. It is a 'silent' change, meaning that it does not change the encoded amino acid sequence of the POLD1 protein. It affects a nucleotide within the consensus splice site. This variant is not present in population databases (gnomAD no frequency). This variant has not been reported in the literature in individuals affected with POLD1-related conditions. ClinVar contains an entry for this variant (Variation ID: 962153). Algorithms developed to predict the effect of sequence changes on RNA splicing suggest that this variant is not likely to affect RNA splicing. In summary, the available evidence is currently insufficient to determine the role of this variant in disease. Therefore, it has been classified as a Variant of Uncertain Significance.

Ambry Genetics
Classification: Likely benign for Hereditary cancer-predisposing syndrome. Last evaluated: 2019-09-28. Review status: criteria provided, single submitter. Criteria: Ambry Variant Classification Scheme 2023. Collection method: clinical testing. Allele origin: germline.